The following is an entry in ClinVar:

NM_014000.3(VCL):c.1001A>C (p.Gln334Pro)

Gene: VCL (vinculin; plus strand). Cytogenetic location: 10q22.2.
Variant type: single nucleotide variant.
Coding change: c.1001A>C on transcript NM_014000.3 (MANE Select); coding-DNA position 1001, A replaced by C.
Protein change: p.Gln334Pro; replaces glutamine 334 with proline.
Molecular consequence: missense variant.
Genome position (GRCh38, 1-based): chr10:74,083,492, A>C. VCF-style: chr10-74083492-A-C. GRCh37 (hg19) VCF-style: chr10-75843250-A-C.
Other names: c.1001A>C, p.Gln334Pro (NM_003373.4); short protein forms Q334P.
Identifiers: ClinVar variation 1720849 (VCV001720849.5), dbSNP rs1839712029, ClinGen allele CA377270699.
Genomic context (GRCh38, chr10:74,083,492, plus strand): 5'-CAGGCAAAGAACGCAGGGAGATTCTGGGAACTTGCAAAATGCTAGGGCAGATGACTGATC[A>C]AGTGGCTGACCTCCGTGCCAGGTAAAAGTTCCTCTGTCCTTACAGAGCAGTAGTGGGTAA-3'
Protein context (NP_054706.1, residues 324-344): TCKMLGQMTD[Gln334Pro]VADLRARGQG

ClinVar aggregate classification (germline): Uncertain significance (1 of 4 stars; one submission).

Conditions:
Dilated cardiomyopathy 1W (CMD1W). Identifiers: Orphanet 154, MedGen C1969639, MONDO:0012667, OMIM 611407.

Allele frequency attached by ClinVar (database versions not stated): gnomAD exomes below 0.00001.
gnomAD v4.1: 2 of 1,614,094 alleles (0.00012%); highest among the groups gnomAD compares: Non-Finnish European, 0.00017%; no homozygotes.

Submission:

Labcorp Genetics (formerly Invitae), Labcorp
Classification: Uncertain significance for Dilated cardiomyopathy 1W. Last evaluated: 2025-04-01. Review status: criteria provided, single submitter. Criteria: Invitae Variant Classification Sherloc (09022015). Collection method: clinical testing. Allele origin: germline.
Comment: This sequence change replaces glutamine, which is neutral and polar, with proline, which is neutral and non-polar, at codon 334 of the VCL protein (p.Gln334Pro). This variant is not present in population databases (gnomAD no frequency). This variant has not been reported in the literature in individuals affected with VCL-related conditions. ClinVar contains an entry for this variant (Variation ID: 1720849). An algorithm developed to predict the effect of missense changes on protein structure and function (PolyPhen-2) suggests that this variant is likely to be disruptive. In summary, the available evidence is currently insufficient to determine the role of this variant in disease. Therefore, it has been classified as a Variant of Uncertain Significance.